The following is an entry in ClinVar:

ClinVar aggregate classification (germline): Uncertain significance (1 of 4 stars; one submission).

Conditions:
Methylmalonic acidemia with homocystinuria, type cblJ (MAHCJ). Also called: METHYLMALONIC ACIDURIA AND HOMOCYSTINURIA, cblJ TYPE. Identifiers: Orphanet 369955, MedGen C3553915, MONDO:0013925, OMIM 614857.

Allele frequency attached by ClinVar (database versions not stated): gnomAD exomes 0.00001; TOPMed 0.00001.
gnomAD v4.1: 11 of 1,606,838 alleles (0.00068%); highest among the groups gnomAD compares: Admixed American, 0.013%; no homozygotes.

Submission:

Labcorp Genetics (formerly Invitae), Labcorp
Classification: Uncertain significance for Methylmalonic acidemia with homocystinuria, type cblJ. Last evaluated: 2022-07-24. Review status: criteria provided, single submitter. Criteria: Invitae Variant Classification Sherloc (09022015). Collection method: clinical testing. Allele origin: germline.
Comment: This sequence change replaces proline, which is neutral and non-polar, with leucine, which is neutral and non-polar, at codon 14 of the ABCD4 protein (p.Pro14Leu). This variant is present in population databases (no rsID available, gnomAD 0.003%). This variant has not been reported in the literature in individuals affected with ABCD4-related conditions. Algorithms developed to predict the effect of missense changes on protein structure and function are either unavailable or do not agree on the potential impact of this missense change (SIFT: "Tolerated"; PolyPhen-2: "Not Available"; Align-GVGD: "Class C0"). In summary, the available evidence is currently insufficient to determine the role of this variant in disease. Therefore, it has been classified as a Variant of Uncertain Significance.

NM_005050.4(ABCD4):c.41C>T (p.Pro14Leu)

Gene: ABCD4 (ATP binding cassette subfamily D member 4; minus strand). Cytogenetic location: 14q24.3.
Variant type: single nucleotide variant.
Coding change: c.41C>T on transcript NM_005050.4 (MANE Select); coding-DNA position 41, C replaced by T.
Protein change: p.Pro14Leu; replaces proline 14 with leucine.
Molecular consequence: missense variant. On other transcripts: 5 prime UTR variant (15), non-coding transcript variant (8), intron variant (4).
Genome position (GRCh38, 1-based): chr14:74,300,266, G>A on the plus strand (C>T on the coding strand, the complement: ABCD4 is on the minus strand). VCF-style: chr14-74300266-G-A. GRCh37 (hg19) VCF-style: chr14-74766969-G-A.
Other names: c.41C>T, p.Pro14Leu (NM_001353591.2, NM_001353592.2, NM_020323.1 and 1 more transcripts); c.-369C>T (NM_001353595.2); c.-241C>T (NM_001353596.2, NM_001353597.2); c.-297C>T (NM_001353599.2, NM_020324.3); c.-309C>T (NM_001353600.2); c.-169C>T (NM_001353601.2); c.-649C>T (NM_001353602.2); c.-526C>T (NM_001353603.2, NM_001353606.2); and 6 more; short protein forms P14L.
Identifiers: ClinVar variation 2202012 (VCV002202012.1), dbSNP rs997618891, ClinGen allele CA390381501.